The following is an entry in ClinVar:

ClinVar aggregate classification (germline): Likely pathogenic (1 of 4 stars; one submission).

Conditions:
Primary ciliary dyskinesia. Also called: Ciliary dyskinesia. Identifiers: Orphanet 244, MedGen C0008780, MONDO:0016575, HP:0012265.

Allele frequency attached by ClinVar (database versions not stated): gnomAD exomes below 0.00001; ExAC 0.00001.
gnomAD v4.1: 1 of 1,613,454 alleles (0.000062%); no homozygotes.

Submission:

Labcorp Genetics (formerly Invitae), Labcorp
Classification: Likely pathogenic for Primary ciliary dyskinesia. Last evaluated: 2022-02-19. Review status: criteria provided, single submitter. Criteria: Invitae Variant Classification Sherloc (09022015). Collection method: clinical testing. Allele origin: germline.
Comment: In summary, the currently available evidence indicates that the variant is pathogenic, but additional data are needed to prove that conclusively. Therefore, this variant has been classified as Likely Pathogenic. Algorithms developed to predict the effect of sequence changes on RNA splicing suggest that this variant may disrupt the consensus splice site. This variant has not been reported in the literature in individuals affected with DNAH5-related conditions. This variant is not present in population databases (gnomAD no frequency). This sequence change affects a donor splice site in intron 73 of the DNAH5 gene. It is expected to disrupt RNA splicing. Variants that disrupt the donor or acceptor splice site typically lead to a loss of protein function (PMID: 16199547), and loss-of-function variants in DNAH5 are known to be pathogenic (PMID: 11788826, 16627867).

Literature cited by the submitters: PubMed 16199547; PubMed 11788826; PubMed 16627867.

NM_001369.3(DNAH5):c.12705+1G>T

Gene: DNAH5 (dynein axonemal heavy chain 5; minus strand). Cytogenetic location: 5p15.2.
Variant type: single nucleotide variant.
Coding change: c.12705+1G>T on transcript NM_001369.3 (MANE Select); the canonical splice donor site of the intron after coding-DNA position 12705, G replaced by T.
Molecular consequence: splice donor variant.
Genome position (GRCh38, 1-based): chr5:13,717,314, C>A on the plus strand (G>T on the coding strand, the complement: DNAH5 is on the minus strand). VCF-style: chr5-13717314-C-A. GRCh37 (hg19) VCF-style: chr5-13717423-C-A.
Identifiers: ClinVar variation 1928835 (VCV001928835.5), dbSNP rs779993876, ClinGen allele CA3201563.